The following is an entry in ClinVar:

ClinVar aggregate classification (germline): Pathogenic (1 of 4 stars; one submission).

Conditions:
Exostoses, multiple, type 2 (EXT2). Also called: Hereditary Multiple Osteochondromatosis, Type II; EXOSTOSES, MULTIPLE, TYPE II. Identifiers: Orphanet 321, MedGen C1851413, MONDO:0007586, OMIM 133701.

Submission:

Labcorp Genetics (formerly Invitae), Labcorp
Classification: Pathogenic for Exostoses, multiple, type 2. Last evaluated: 2023-05-13. Review status: criteria provided, single submitter. Criteria: Invitae Variant Classification Sherloc (09022015). Collection method: clinical testing. Allele origin: germline.
Comment: For these reasons, this variant has been classified as Pathogenic. Algorithms developed to predict the effect of sequence changes on RNA splicing suggest that this variant may disrupt the consensus splice site. This variant has not been reported in the literature in individuals affected with EXT2-related conditions. This variant is not present in population databases (gnomAD no frequency). This sequence change creates a premature translational stop signal (p.Glu368*) in the EXT2 gene. It is expected to result in an absent or disrupted protein product. Loss-of-function variants in EXT2 are known to be pathogenic (PMID: 10679937, 19810120).

Literature cited by the submitters: PubMed 10679937; PubMed 19810120.

NM_207122.2(EXT2):c.1102G>T (p.Glu368Ter)

Gene: EXT2 (exostosin glycosyltransferase 2; plus strand). Cytogenetic location: 11p11.2.
Variant type: single nucleotide variant.
Coding change: c.1102G>T on transcript NM_207122.2 (MANE Select); coding-DNA position 1102, G replaced by T.
Protein change: p.Glu368Ter; replaces glutamic acid 368 with a stop codon.
Molecular consequence: nonsense.
Genome position (GRCh38, 1-based): chr11:44,130,067, G>T. VCF-style: chr11-44130067-G-T. GRCh37 (hg19) VCF-style: chr11-44151617-G-T.
Other names: c.1201G>T, p.Glu401Ter (NM_000401.3); c.1102G>T, p.Glu368Ter (NM_001178083.3, NM_001389628.1, NM_001389630.1); short protein forms E368*, E401*.
Identifiers: ClinVar variation 2864119 (VCV002864119.3), dbSNP rs1590575116, ClinGen allele CA380170311.